The following is an entry in ClinVar:

ClinVar aggregate classification (germline): Uncertain significance. Review status: criteria provided, multiple submitters, no conflicts (2 of 4 stars). 3 submissions from 3 submitters: Uncertain significance (3). Last evaluated 2024-01-02.

Conditions:
Autosomal recessive hypophosphatemic bone disease (HHRH). Also called: Hypophosphatemic rickets with hypercalciuria; HYPERCALCIURIC RICKETS. Identifiers: Orphanet 157215, MedGen C1853271, MONDO:0009431, OMIM 241530.
Inborn genetic diseases. Identifiers: MedGen C0950123, MeSH D030342.

gnomAD v4.1: 206 of 1,604,208 alleles (0.013%); highest among the groups gnomAD compares: East Asian, 0.061%; no homozygotes.

Submissions (3):

Fulgent Genetics
Classification: Uncertain significance for Autosomal recessive hypophosphatemic bone disease. Last evaluated: 2024-01-02. Review status: criteria provided, single submitter. Criteria: ACMG Guidelines, 2015. Collection method: clinical testing. Allele origin: germline.

Labcorp Genetics (formerly Invitae), Labcorp
Classification: Uncertain significance. Last evaluated: 2022-05-30. Review status: criteria provided, single submitter. Criteria: Invitae Variant Classification Sherloc (09022015). Collection method: clinical testing. Allele origin: germline.
Comment: This sequence change replaces arginine, which is basic and polar, with glutamine, which is neutral and polar, at codon 182 of the SLC34A3 protein (p.Arg182Gln). This variant is present in population databases (rs759525091, gnomAD 0.1%). This variant has not been reported in the literature in individuals affected with SLC34A3-related conditions. ClinVar contains an entry for this variant (Variation ID: 1061014). Algorithms developed to predict the effect of missense changes on protein structure and function are either unavailable or do not agree on the potential impact of this missense change (SIFT: "Tolerated"; PolyPhen-2: "Possibly Damaging"; Align-GVGD: "Class C0"). In summary, the available evidence is currently insufficient to determine the role of this variant in disease. Therefore, it has been classified as a Variant of Uncertain Significance.

Ambry Genetics
Classification: Uncertain significance for Inborn genetic diseases. Last evaluated: 2022-05-11. Review status: criteria provided, single submitter. Criteria: Ambry Variant Classification Scheme 2023. Collection method: clinical testing. Allele origin: germline.

NM_001177316.2(SLC34A3):c.545G>A (p.Arg182Gln)

Gene: SLC34A3 (solute carrier family 34 member 3; plus strand). Cytogenetic location: 9q34.3.
Variant type: single nucleotide variant.
Coding change: c.545G>A on transcript NM_001177316.2 (MANE Select); coding-DNA position 545, G replaced by A.
Protein change: p.Arg182Gln; replaces arginine 182 with glutamine.
Molecular consequence: missense variant.
Genome position (GRCh38, 1-based): chr9:137,233,100, G>A. VCF-style: chr9-137233100-G-A. GRCh37 (hg19) VCF-style: chr9-140127552-G-A.
Other names: c.545G>A, p.Arg182Gln (NM_001177317.2, NM_080877.3); c.545G>A (NM_080877.2); short protein forms R182Q.
Identifiers: ClinVar variation 1061014 (VCV001061014.8), dbSNP rs759525091, ClinGen allele CA5364453.